The following is an entry in ClinVar:

GRCh37/hg19 Xq26.2(chrX:132834006-132986815)

Gene: GPC3 (glypican 3; minus strand). Cytogenetic location: Xq26.2.
Variant type: copy number loss.
Identifiers: ClinVar variation 224615 (VCV000224615.2).

ClinVar aggregate classification (germline): Pathogenic (0 of 4 stars; one submission).

Conditions:
Simpson-Golabi-Behmel syndrome type 1 (SGBS1). Also called: GPC3-Related Simpson-Golabi-Behmel Syndrome Type 1; SIMPSON DYSMORPHIA SYNDROME; BULLDOG SYNDROME; DYSPLASIA GIGANTISM SYNDROME, X-LINKED; GOLABI-ROSEN SYNDROME. Identifiers: Orphanet 373, MedGen C0796154, MONDO:0020602, OMIM 312870.

Submission:

University of Bologna, Medical Genetics Unit, University of Bologna
Classification: Pathogenic for Simpson-Golabi-Behmel syndrome type 1. Review status: no assertion criteria provided. Collection method: clinical testing. Allele origin: maternal. Inheritance: X-linked recessive inheritance. Affected: yes. Observed: 1 variant allele, 1 hemizygote.
Comment: Loss-of function variant as previously published causative mutations.